The following is an entry in ClinVar:

ClinVar aggregate classification (germline): Conflicting classifications of pathogenicity. Review status: criteria provided, conflicting classifications (1 of 4 stars). 2 submissions from 2 submitters: Uncertain significance (1); Likely benign (1). Last evaluated 2026-06-01.

Allele frequency attached by ClinVar (database versions not stated): TOPMed 0.00005.
gnomAD v4.1: 21 of 1,550,896 alleles (0.0014%); highest among the groups gnomAD compares: Admixed American, 0.041%; no homozygotes.

Submissions (2):

CeGaT Center for Human Genetics Tuebingen
Classification: Likely benign. Last evaluated: 2026-06-01. Review status: criteria provided, single submitter. Criteria: CeGaT Center For Human Genetics Tuebingen Variant Classification Criteria Version 2. Collection method: clinical testing. Allele origin: germline. Affected: yes. Observed: 1 variant allele.
Comment: FBRSL1: BP4

Ambry Genetics
Classification: Uncertain significance. Last evaluated: 2024-03-04. Review status: criteria provided, single submitter. Criteria: Ambry Variant Classification Scheme 2023. Collection method: clinical testing. Allele origin: germline.

NM_001367871.1(FBRSL1):c.377C>T (p.Pro126Leu)

Gene: FBRSL1 (fibrosin like 1; plus strand). Cytogenetic location: 12q24.33.
Variant type: single nucleotide variant.
Coding change: c.377C>T on transcript NM_001367871.1 (MANE Select); coding-DNA position 377, C replaced by T.
Protein change: p.Pro126Leu; replaces proline 126 with leucine.
Molecular consequence: missense variant. On other transcripts: non-coding transcript variant (1).
Genome position (GRCh38, 1-based): chr12:132,508,238, C>T. VCF-style: chr12-132508238-C-T. GRCh37 (hg19) VCF-style: chr12-133084824-C-T.
Other names: c.377C>T, p.Pro126Leu (NM_001142641.2, NM_001382739.1, NM_001382740.1 and 2 more transcripts); c.80C>T, p.Pro27Leu (NM_001382742.1); short protein forms P126L, P27L.
Identifiers: ClinVar variation 3093461 (VCV003093461.3), dbSNP rs544044707, ClinGen allele CA246283918.